The following is an entry in ClinVar:

ClinVar aggregate classification (germline): Uncertain significance. Review status: criteria provided, multiple submitters, no conflicts (2 of 4 stars). 3 submissions from 3 submitters: Uncertain significance (2). 1 of the submissions does not count toward it. Last evaluated 2024-11-09.

Conditions:
Inborn genetic diseases. Identifiers: MedGen C0950123, MeSH D030342.
PCNT-related disorder. Also called: PCNT-related condition.

Allele frequency attached by ClinVar (database versions not stated): gnomAD 0.00025; ExAC 0.00019; ESP Exome Variant Server 0.00039.
gnomAD v4.1: 73 of 1,597,212 alleles (0.0046%); highest among the groups gnomAD compares: African/African-American, 0.078%; no homozygotes.

Submissions (3):

Labcorp Genetics (formerly Invitae), Labcorp
Classification: Uncertain significance. Last evaluated: 2024-11-09. Review status: criteria provided, single submitter. Criteria: Invitae Variant Classification Sherloc (09022015). Collection method: clinical testing. Allele origin: germline.
Comment: This sequence change replaces glutamine, which is neutral and polar, with lysine, which is basic and polar, at codon 1500 of the PCNT protein (p.Gln1500Lys). This variant is present in population databases (rs150243540, gnomAD 0.1%). This variant has not been reported in the literature in individuals affected with PCNT-related conditions. ClinVar contains an entry for this variant (Variation ID: 2062937). An algorithm developed to predict the effect of missense changes on protein structure and function (PolyPhen-2) suggests that this variant is likely to be tolerated. In summary, the available evidence is currently insufficient to determine the role of this variant in disease. Therefore, it has been classified as a Variant of Uncertain Significance.

Ambry Genetics
Classification: Uncertain significance for Inborn genetic diseases. Last evaluated: 2024-04-12. Review status: criteria provided, single submitter. Criteria: Ambry Variant Classification Scheme 2023. Collection method: clinical testing. Allele origin: germline.

PreventionGenetics, part of Exact Sciences
Classification: Uncertain significance for PCNT-related condition. Last evaluated: 2024-02-06. Review status: no assertion criteria provided. Collection method: clinical testing. Allele origin: germline. Not counted in ClinVar's aggregate classification.
Comment: The PCNT c.4498C>A variant is predicted to result in the amino acid substitution p.Gln1500Lys. To our knowledge, this variant has not been reported in the literature. This variant is reported in 0.10% of alleles in individuals of African descent in gnomAD, which is likely too common for a primary cause of disease. Although we suspect that this variant may be benign, at this time, the clinical significance of this variant is uncertain due to the absence of conclusive functional and genetic evidence.

NM_006031.6(PCNT):c.4498C>A (p.Gln1500Lys)

Gene: PCNT (pericentrin; plus strand). Cytogenetic location: 21q22.3.
Variant type: single nucleotide variant.
Coding change: c.4498C>A on transcript NM_006031.6 (MANE Select); coding-DNA position 4498, C replaced by A.
Protein change: p.Gln1500Lys; replaces glutamine 1500 with lysine.
Molecular consequence: missense variant.
Genome position (GRCh38, 1-based): chr21:46,398,065, C>A. VCF-style: chr21-46398065-C-A. GRCh37 (hg19) VCF-style: chr21-47817979-C-A.
Other names: c.4144C>A, p.Gln1382Lys (NM_001315529.2); c.4498C>A (NM_006031.5); short protein forms Q1500K, Q1382K.
Identifiers: ClinVar variation 2062937 (VCV002062937.7), dbSNP rs150243540, ClinGen allele CA10079659.